The following is an entry in ClinVar:

ClinVar aggregate classification (germline): Likely benign (0 of 4 stars; one submission).

Conditions:
INPP5E-related disorder. Also called: INPP5E-related condition.

Allele frequency attached by ClinVar (database versions not stated): gnomAD exomes below 0.00001; gnomAD 0.00001.
gnomAD v4.1: 5 of 1,422,756 alleles (0.00035%); highest among the groups gnomAD compares: South Asian, 0.0014%; no homozygotes.

Submission:

PreventionGenetics, part of Exact Sciences
Classification: Likely benign for INPP5E-related condition. Last evaluated: 2022-11-16. Review status: no assertion criteria provided. Collection method: clinical testing. Allele origin: germline.
Comment: This variant is classified as likely benign based on ACMG/AMP sequence variant interpretation guidelines (Richards et al. 2015 PMID: 25741868, with internal and published modifications).

NM_019892.6(INPP5E):c.-28C>T

Gene: INPP5E (inositol polyphosphate-5-phosphatase E; minus strand). Cytogenetic location: 9q34.3.
Variant type: single nucleotide variant.
Coding change: c.-28C>T on transcript NM_019892.6 (MANE Select); 28 bases upstream of the start codon, C replaced by T.
Molecular consequence: 5 prime UTR variant.
Genome position (GRCh38, 1-based): chr9:136,439,447, G>A on the plus strand (C>T on the coding strand, the complement: INPP5E is on the minus strand). VCF-style: chr9-136439447-G-A. GRCh37 (hg19) VCF-style: chr9-139333899-G-A.
Other names: c.-28C>T (NM_001318502.2).
Identifiers: ClinVar variation 3030660 (VCV003030660.2), dbSNP rs1336165487, ClinGen allele CA861061695.